The following is an entry in ClinVar:

ClinVar aggregate classification (germline): Uncertain significance. Review status: criteria provided, multiple submitters, no conflicts (2 of 4 stars). 2 submissions from 2 submitters: Uncertain significance (2). Last evaluated 2025-02-13.

Conditions:
Gastrointestinal stromal tumor. Also called: Gastrointestinal stroma tumor; Gastrointestinal stromal tumor, somatic. Identifiers: Orphanet 44890, MedGen C0238198, MeSH D046152, MONDO:0011719, OMIM 606764, HP:0100723.
Pheochromocytoma/paraganglioma syndrome 4. Also called: SDHB-Related Hereditary Paraganglioma-Pheochromocytoma Syndrome (Paragangliomas 4); Paragangliomas 4; SDHB-Related Hereditary Paraganglioma-Pheochromocytoma Syndrome; CAROTID BODY TUMORS AND MULTIPLE EXTRAADRENAL PHEOCHROMOCYTOMAS; PARAGANGLIOMA, FAMILIAL MALIGNANT; PARAGANGLIOMAS, HEREDITARY EXTRAADRENAL. Identifiers: Orphanet 29072, MedGen C1861848, MONDO:0007273, OMIM 115310.
Pheochromocytoma. Also called: MAX-Related Hereditary Paraganglioma-Pheochromocytoma Syndrome. Identifiers: Orphanet 29072, MedGen C0031511, MONDO:0008233, OMIM 171300, HP:0002666.
Hereditary cancer-predisposing syndrome. Also called: Tumor predisposition; Hereditary Cancer Syndrome; Neoplastic Syndromes, Hereditary; Hereditary neoplastic syndrome. Identifiers: Orphanet 140162, MedGen C0027672, MeSH D009386, MONDO:0015356.

Allele frequency attached by ClinVar (database versions not stated): ExAC 0.00001; gnomAD exomes 0.00001.
gnomAD v4.1: 10 of 1,611,472 alleles (0.00062%); highest among the groups gnomAD compares: Non-Finnish European, 0.00085%; no homozygotes.

Submissions (2):

Ambry Genetics
Classification: Uncertain significance for Hereditary cancer-predisposing syndrome. Last evaluated: 2025-02-13. Review status: criteria provided, single submitter. Criteria: Ambry Variant Classification Scheme 2023. Collection method: clinical testing. Allele origin: germline.
Comment: The p.A262V variant (also known as c.785C>T), located in coding exon 8 of the SDHB gene, results from a C to T substitution at nucleotide position 785. The alanine at codon 262 is replaced by valine, an amino acid with similar properties. This amino acid position is conserved. In addition, this alteration is predicted to be deleterious by in silico analysis. Based on the available evidence, the clinical significance of this variant remains unclear.

Labcorp Genetics (formerly Invitae), Labcorp
Classification: Uncertain significance for Gastrointestinal stromal tumor; Pheochromocytoma/paraganglioma syndrome 4; Pheochromocytoma. Last evaluated: 2021-09-16. Review status: criteria provided, single submitter. Criteria: Invitae Variant Classification Sherloc (09022015). Collection method: clinical testing. Allele origin: germline.
Comment: This variant is present in population databases (rs776093267, ExAC 0.001%). In summary, the available evidence is currently insufficient to determine the role of this variant in disease. Therefore, it has been classified as a Variant of Uncertain Significance. Advanced modeling of protein sequence and biophysical properties (such as structural, functional, and spatial information, amino acid conservation, physicochemical variation, residue mobility, and thermodynamic stability) performed at Invitae indicates that this missense variant is expected to disrupt SDHB protein function. This variant has not been reported in the literature in individuals affected with SDHB-related conditions. This sequence change replaces alanine with valine at codon 262 of the SDHB protein (p.Ala262Val). The alanine residue is highly conserved and there is a small physicochemical difference between alanine and valine.

NM_003000.3(SDHB):c.785C>T (p.Ala262Val)

Gene: SDHB (succinate dehydrogenase complex iron sulfur subunit B; minus strand). Cytogenetic location: 1p36.13.
Variant type: single nucleotide variant.
Coding change: c.785C>T on transcript NM_003000.3 (MANE Select); coding-DNA position 785, C replaced by T.
Protein change: p.Ala262Val; replaces alanine 262 with valine.
Molecular consequence: missense variant.
Genome position (GRCh38, 1-based): chr1:17,018,939, G>A on the plus strand (C>T on the coding strand, the complement: SDHB is on the minus strand). VCF-style: chr1-17018939-G-A. GRCh37 (hg19) VCF-style: chr1-17345434-G-A.
Other names: c.785C>T (NM_003000.2); short protein forms A262V.
Identifiers: ClinVar variation 1346701 (VCV001346701.7), dbSNP rs776093267, ClinGen allele CA089765.